The following is an entry in ClinVar:

NM_000368.5(TSC1):c.2242C>T (p.Gln748Ter)

Gene: TSC1 (TSC complex subunit 1; minus strand). Cytogenetic location: 9q34.13.
Variant type: single nucleotide variant.
Coding change: c.2242C>T on transcript NM_000368.5 (MANE Select); coding-DNA position 2242, C replaced by T.
Protein change: p.Gln748Ter; replaces glutamine 748 with a stop codon.
Molecular consequence: nonsense.
Genome position (GRCh38, 1-based): chr9:132,902,754, G>A on the plus strand (C>T on the coding strand, the complement: TSC1 is on the minus strand). VCF-style: chr9-132902754-G-A. GRCh37 (hg19) VCF-style: chr9-135778141-G-A.
Other names: c.2239C>T, p.Gln747Ter (NM_001162426.2); c.2089C>T, p.Gln697Ter (NM_001162427.2); c.1879C>T, p.Gln627Ter (NM_001362177.2); short protein forms Q748*, Q697*, Q627*, Q747*.
Identifiers: ClinVar variation 662905 (VCV000662905.9), dbSNP rs1588301951, ClinGen allele CA375359955.

ClinVar aggregate classification (germline): Pathogenic. Review status: criteria provided, multiple submitters, no conflicts (2 of 4 stars). 2 submissions from 2 submitters: Pathogenic (2). Last evaluated 2022-07-17.

Conditions:
Tuberous sclerosis 1 (TSC1). Identifiers: Orphanet 805, MedGen C1854465, MONDO:0008612, OMIM 191100.

Submissions (2):

Division of Genomic Medicine, Department of Advanced Medicine, Medical Research Institute, Kanazawa Medical University
Classification: Pathogenic for Tuberous sclerosis 1. Last evaluated: 2022-07-17. Review status: criteria provided, single submitter. Criteria: ACMG Guidelines, 2015. Collection method: clinical testing. Allele origin: germline. Affected: yes. Observed: 2 variant alleles.

Labcorp Genetics (formerly Invitae), Labcorp
Classification: Pathogenic for Tuberous sclerosis 1. Last evaluated: 2021-12-15. Review status: criteria provided, single submitter. Criteria: Invitae Variant Classification Sherloc (09022015). Collection method: clinical testing. Allele origin: germline.
Comment: For these reasons, this variant has been classified as Pathogenic. ClinVar contains an entry for this variant (Variation ID: 662905). This premature translational stop signal has been observed in individual(s) with TSC1-related conditions (PMID: 21520333). This variant is not present in population databases (gnomAD no frequency). This sequence change creates a premature translational stop signal (p.Gln748*) in the TSC1 gene. It is expected to result in an absent or disrupted protein product. Loss-of-function variants in TSC1 are known to be pathogenic (PMID: 10227394, 17304050).

Literature cited by the submitters: PubMed 21520333 (cited by Labcorp Genetics (formerly Invitae), Labcorp); PubMed 10227394 (cited by Labcorp Genetics (formerly Invitae), Labcorp); PubMed 17304050 (cited by Labcorp Genetics (formerly Invitae), Labcorp).